The following is an entry in ClinVar:

ClinVar aggregate classification (germline): Uncertain significance (1 of 4 stars; one submission).

Conditions:
FG syndrome (FGS). Identifiers: MedGen C0220769, MONDO:0002010.

gnomAD v4.1: 1 of 1,211,201 alleles (0.000083%); highest among the groups gnomAD compares: Non-Finnish European, 0.00011%; no homozygotes.

Submission:

Labcorp Genetics (formerly Invitae), Labcorp
Classification: Uncertain significance for FG syndrome. Last evaluated: 2026-01-10. Review status: criteria provided, single submitter. Criteria: Invitae Variant Classification Sherloc (09022015). Collection method: clinical testing. Allele origin: germline.
Comment: This sequence change replaces asparagine, which is neutral and polar, with threonine, which is neutral and polar, at codon 72 of the MED12 protein (p.Asn72Thr). This variant is not present in population databases (gnomAD no frequency). This variant has not been reported in the literature in individuals affected with MED12-related conditions. Invitae Evidence Modeling of protein sequence and biophysical properties (such as structural, functional, and spatial information, amino acid conservation, physicochemical variation, residue mobility, and thermodynamic stability) indicates that this missense variant is not expected to disrupt MED12 protein function with a negative predictive value of 95%. In summary, the available evidence is currently insufficient to determine the role of this variant in disease. Therefore, it has been classified as a Variant of Uncertain Significance.

NM_005120.3(MED12):c.215A>C (p.Asn72Thr)

Gene: MED12 (mediator complex subunit 12; plus strand). Cytogenetic location: Xq13.1.
Variant type: single nucleotide variant.
Coding change: c.215A>C on transcript NM_005120.3 (MANE Select); coding-DNA position 215, A replaced by C.
Protein change: p.Asn72Thr; replaces asparagine 72 with threonine.
Molecular consequence: missense variant.
Genome position (GRCh38, 1-based): chrX:71,119,696, A>C. VCF-style: chrX-71119696-A-C. GRCh37 (hg19) VCF-style: chrX-70339546-A-C.
Other names: short protein forms N72T.
Identifiers: ClinVar variation 4764451 (VCV004764451.1).